The following is an entry in ClinVar:

ClinVar aggregate classification (germline): Uncertain significance. Review status: criteria provided, multiple submitters, no conflicts (2 of 4 stars). 3 submissions from 3 submitters: Uncertain significance (3). Last evaluated 2025-12-10.

Conditions:
Inborn genetic diseases. Identifiers: MedGen C0950123, MeSH D030342.

Allele frequency attached by ClinVar (database versions not stated): gnomAD 0.00003 and 0.00004.
gnomAD v4.1: 125 of 1,613,758 alleles (0.0077%); highest among the groups gnomAD compares: Non-Finnish European, 0.01%; no homozygotes.

Submissions (3):

Women's Health and Genetics/Laboratory Corporation of America, LabCorp
Classification: Uncertain significance. Last evaluated: 2025-12-10. Review status: criteria provided, single submitter. Criteria: LabCorp Variant Classification Summary - May 2015. Collection method: clinical testing. Allele origin: germline.
Comment: Variant summary: C1S c.613C>G (p.Gln205Glu) results in a conservative amino acid change in the encoded protein sequence. Algorithms developed to predict the effect of missense changes on protein structure and function all suggest that this variant is likely to be tolerated. The variant allele was found at a frequency of 8e-06 in 251472 control chromosomes. The available data on variant occurrences in the general population are insufficient to allow any conclusion about variant significance. To our knowledge, no occurrence of c.613C>G in individuals affected with C1S-related conditions and no experimental evidence demonstrating its impact on protein function have been reported. ClinVar contains an entry for this variant (Variation ID: 1421582). Based on the evidence outlined above, the variant was classified as uncertain significance.

Labcorp Genetics (formerly Invitae), Labcorp
Classification: Uncertain significance. Last evaluated: 2025-10-05. Review status: criteria provided, single submitter. Criteria: Invitae Variant Classification Sherloc (09022015). Collection method: clinical testing. Allele origin: germline.
Comment: This sequence change replaces glutamine, which is neutral and polar, with glutamic acid, which is acidic and polar, at codon 205 of the C1S protein (p.Gln205Glu). This variant is present in population databases (rs760913159, gnomAD 0.003%). This variant has not been reported in the literature in individuals affected with C1S-related conditions. ClinVar contains an entry for this variant (Variation ID: 1421582). Invitae Evidence Modeling of protein sequence and biophysical properties (such as structural, functional, and spatial information, amino acid conservation, physicochemical variation, residue mobility, and thermodynamic stability) indicates that this missense variant is not expected to disrupt C1S protein function with a negative predictive value of 80%. In summary, the available evidence is currently insufficient to determine the role of this variant in disease. Therefore, it has been classified as a Variant of Uncertain Significance.

Ambry Genetics
Classification: Uncertain significance for Inborn genetic diseases. Last evaluated: 2025-08-03. Review status: criteria provided, single submitter. Criteria: Ambry Variant Classification Scheme 2023. Collection method: clinical testing. Allele origin: germline.

NM_001734.5(C1S):c.613C>G (p.Gln205Glu)

Gene: C1S (complement C1s; plus strand). Cytogenetic location: 12p13.31.
Variant type: single nucleotide variant.
Coding change: c.613C>G on transcript NM_001734.5 (MANE Select); coding-DNA position 613, C replaced by G.
Protein change: p.Gln205Glu; replaces glutamine 205 with glutamic acid.
Molecular consequence: missense variant.
Genome position (GRCh38, 1-based): chr12:7,065,195, C>G. VCF-style: chr12-7065195-C-G. GRCh37 (hg19) VCF-style: chr12-7172499-C-G.
Other names: c.112C>G, p.Gln38Glu (NM_001346850.2); c.613C>G, p.Gln205Glu (NM_201442.4); c.613C>G (NM_201442.2); short protein forms Q205E, Q38E.
Identifiers: ClinVar variation 1421582 (VCV001421582.8), dbSNP rs760913159, ClinGen allele CA232452165.
Genomic context (GRCh38, chr12:7,065,195, plus strand): 5'-GGGGAGATTGCAAGTCCCAATTATCCCAAACCATATCCAGAGAACTCAAGGTGTGAATAC[C>G]AGATCCGGTTGGAGAAAGGGTTCCAAGTGGTGGTGACCTTGCGGAGAGAAGATTTTGATG-3'
Protein context (NP_001725.1, residues 195-215): PYPENSRCEY[Gln205Glu]IRLEKGFQVV